The following is an entry in ClinVar:

ClinVar aggregate classification (germline): Uncertain significance. Review status: criteria provided, multiple submitters, no conflicts (2 of 4 stars). 2 submissions from 2 submitters: Uncertain significance (2). Last evaluated 2021-10-25.

Conditions:
Carnitine palmitoyl transferase 1A deficiency. Also called: CPT I DEFICIENCY; CPT DEFICIENCY, HEPATIC, TYPE I; CPT deficiency, hepatic, type IA; Carnitine palmitoyltransferase type I deficiency; Carnitine palmitoyltransferase 1A deficiency. Identifiers: Orphanet 156, MedGen C1829703, MONDO:0009705, OMIM 255120.

Allele frequency attached by ClinVar (database versions not stated): TOPMed below 0.00001; ExAC 0.00001; gnomAD 0.00001; gnomAD exomes 0.00001 and 0.00002; 1000 Genomes Project 30x 0.00016; 1000 Genomes Project 0.00020.
gnomAD v4.1: 30 of 1,614,070 alleles (0.0019%); highest among the groups gnomAD compares: Non-Finnish European, 0.0023%; no homozygotes.

Submissions (2):

Labcorp Genetics (formerly Invitae), Labcorp
Classification: Uncertain significance for Carnitine palmitoyl transferase 1A deficiency. Last evaluated: 2021-10-25. Review status: criteria provided, single submitter. Criteria: Invitae Variant Classification Sherloc (09022015). Collection method: clinical testing. Allele origin: germline.
Comment: This sequence change replaces alanine with valine at codon 415 of the CPT1A protein (p.Ala415Val). The alanine residue is highly conserved and there is a small physicochemical difference between alanine and valine. This variant is present in population databases (rs528019785, ExAC 0.009%). This variant has not been reported in the literature in individuals affected with CPT1A-related conditions. Algorithms developed to predict the effect of missense changes on protein structure and function are either unavailable or do not agree on the potential impact of this missense change (SIFT: "Deleterious"; PolyPhen-2: "Possibly Damaging"; Align-GVGD: "Class C0"). In summary, the available evidence is currently insufficient to determine the role of this variant in disease. Therefore, it has been classified as a Variant of Uncertain Significance.

Genome-Nilou Lab
Classification: Uncertain significance for Carnitine palmitoyl transferase 1A deficiency. Last evaluated: 2021-07-14. Review status: criteria provided, single submitter. Criteria: ACMG Guidelines, 2015. Collection method: clinical testing. Allele origin: germline. Affected: no.

NM_001876.4(CPT1A):c.1244C>T (p.Ala415Val)

Genes: CPT1A (carnitine palmitoyltransferase 1A; minus strand), LOC126861244 (BRD4-independent group 4 enhancer GRCh37_chr11:68549035-68550234; plus strand). Cytogenetic location: 11q13.3.
Variant type: single nucleotide variant.
Coding change: c.1244C>T on transcript NM_001876.4 (MANE Select); coding-DNA position 1244, C replaced by T.
Protein change: p.Ala415Val; replaces alanine 415 with valine.
Molecular consequence: missense variant.
Genome position (GRCh38, 1-based): chr11:68,781,879, G>A on the plus strand (C>T on the coding strand, the complement: CPT1A is on the minus strand). VCF-style: chr11-68781879-G-A. GRCh37 (hg19) VCF-style: chr11-68549347-G-A.
Other names: c.1244C>T, p.Ala415Val (NM_001031847.3); short protein forms A415V.
Identifiers: ClinVar variation 1199290 (VCV001199290.6), dbSNP rs528019785, ClinGen allele CA6152369.